The following is an entry in ClinVar:

ClinVar aggregate classification (germline): Uncertain significance. Review status: criteria provided, multiple submitters, no conflicts (2 of 4 stars). 2 submissions from 2 submitters: Uncertain significance (2). Last evaluated 2025-11-10.

Allele frequency attached by ClinVar (database versions not stated): ESP Exome Variant Server 0.00008; ExAC 0.00011; gnomAD exomes 0.00014; TOPMed 0.00014; gnomAD 0.00015.
gnomAD v4.1: 228 of 1,614,090 alleles (0.014%); highest among the groups gnomAD compares: Admixed American, 0.02%; no homozygotes.

Submissions (2):

Labcorp Genetics (formerly Invitae), Labcorp
Classification: Uncertain significance. Last evaluated: 2025-11-10. Review status: criteria provided, single submitter. Criteria: Invitae Variant Classification Sherloc (09022015). Collection method: clinical testing. Allele origin: germline.
Comment: This sequence change replaces proline, which is neutral and non-polar, with serine, which is neutral and polar, at codon 58 of the SYNPO protein (p.Pro58Ser). This variant is present in population databases (rs142079099, gnomAD 0.02%). This variant has not been reported in the literature in individuals affected with SYNPO-related conditions. ClinVar contains an entry for this variant (Variation ID: 2191986). An algorithm developed to predict the effect of missense changes on protein structure and function outputs the following: PolyPhen-2: "Benign". The serine amino acid residue is found in multiple mammalian species, which suggests that this missense change does not adversely affect protein function. In summary, the available evidence is currently insufficient to determine the role of this variant in disease. Therefore, it has been classified as a Variant of Uncertain Significance.

Ambry Genetics
Classification: Uncertain significance. Last evaluated: 2021-10-12. Review status: criteria provided, single submitter. Criteria: Ambry Variant Classification Scheme 2023. Collection method: clinical testing. Allele origin: germline.

NM_007286.6(SYNPO):c.172C>T (p.Pro58Ser)

Gene: SYNPO (synaptopodin; plus strand). Cytogenetic location: 5q33.1.
Variant type: single nucleotide variant.
Coding change: c.172C>T on transcript NM_007286.6 (MANE Select); coding-DNA position 172, C replaced by T.
Protein change: p.Pro58Ser; replaces proline 58 with serine.
Molecular consequence: missense variant.
Genome position (GRCh38, 1-based): chr5:150,648,447, C>T. VCF-style: chr5-150648447-C-T. GRCh37 (hg19) VCF-style: chr5-150028009-C-T.
Other names: c.904C>T (NM_001166208.1); c.172C>T, p.Pro58Ser (NM_001109974.3); c.904C>T, p.Pro302Ser (NM_001166208.2, NM_001166209.2); short protein forms P302S, P58S.
Identifiers: ClinVar variation 2191986 (VCV002191986.5), dbSNP rs142079099, ClinGen allele CA3513171.